The following is an entry in ClinVar:

ClinVar aggregate classification (germline): Uncertain significance. Review status: criteria provided, multiple submitters, no conflicts (2 of 4 stars). 2 submissions from 2 submitters: Uncertain significance (2). Last evaluated 2025-09-10.

Conditions:
Inborn genetic diseases. Identifiers: MedGen C0950123, MeSH D030342.
Mosaic variegated aneuploidy syndrome 2 (MVA2). Identifiers: Orphanet 1052, MedGen C3279843, MONDO:0013582, OMIM 614114.

Allele frequency attached by ClinVar (database versions not stated): TOPMed 0.00001.
gnomAD v4.1: 9 of 1,613,940 alleles (0.00056%); highest among the groups gnomAD compares: Non-Finnish European, 0.000085%; no homozygotes.

Submissions (2):

Ambry Genetics
Classification: Uncertain significance for Inborn genetic diseases. Last evaluated: 2025-09-10. Review status: criteria provided, single submitter. Criteria: Ambry Variant Classification Scheme 2023. Collection method: clinical testing. Allele origin: germline.

Labcorp Genetics (formerly Invitae), Labcorp
Classification: Uncertain significance for Mosaic variegated aneuploidy syndrome 2. Last evaluated: 2024-01-25. Review status: criteria provided, single submitter. Criteria: Invitae Variant Classification Sherloc (09022015). Collection method: clinical testing. Allele origin: germline.
Comment: This sequence change replaces leucine, which is neutral and non-polar, with isoleucine, which is neutral and non-polar, at codon 367 of the CEP57 protein (p.Leu367Ile). This variant is present in population databases (rs759922227, gnomAD 0.03%). This variant has not been reported in the literature in individuals affected with CEP57-related conditions. ClinVar contains an entry for this variant (Variation ID: 941825). Advanced modeling of protein sequence and biophysical properties (such as structural, functional, and spatial information, amino acid conservation, physicochemical variation, residue mobility, and thermodynamic stability) has been performed at Invitae for this missense variant, however the output from this modeling did not meet the statistical confidence thresholds required to predict the impact of this variant on CEP57 protein function. In summary, the available evidence is currently insufficient to determine the role of this variant in disease. Therefore, it has been classified as a Variant of Uncertain Significance.

NM_014679.5(CEP57):c.1099T>A (p.Leu367Ile)

Gene: CEP57 (centrosomal protein 57; plus strand). Cytogenetic location: 11q21.
Variant type: single nucleotide variant.
Coding change: c.1099T>A on transcript NM_014679.5 (MANE Select); coding-DNA position 1099, T replaced by A.
Protein change: p.Leu367Ile; replaces leucine 367 with isoleucine.
Molecular consequence: missense variant.
Genome position (GRCh38, 1-based): chr11:95,827,999, T>A. VCF-style: chr11-95827999-T-A. GRCh37 (hg19) VCF-style: chr11-95561163-T-A.
Other names: c.1072T>A, p.Leu358Ile (NM_001243776.2); c.1021T>A, p.Leu341Ile (NM_001243777.2); c.1018T>A, p.Leu340Ile (NM_001363604.2); short protein forms L340I, L358I, L367I, L341I.
Identifiers: ClinVar variation 941825 (VCV000941825.11), dbSNP rs759922227, ClinGen allele CA6239687.
Genomic context (GRCh38, chr11:95,827,999, plus strand): 5'-TCAGTAACACCTCCCTCCTCCAACGGTATTAATGAGGAGTTGTCAGAAGTCTTACAGACT[T>A]TACAGGATGAATTTGGGCAAATGAGCTTGTGAGTTTTTGTTTTTTTTTTTAAATTCAGTT-3'
Protein context (NP_055494.2, residues 357-377): NEELSEVLQT[Leu367Ile]QDEFGQMSFD